The following is an entry in ClinVar:

ClinVar aggregate classification (germline): Uncertain significance (1 of 4 stars; one submission).

Conditions:
Hereditary spastic paraplegia 30. Identifiers: Orphanet 101010, MedGen C5235139, MONDO:0012476.

Submission:

SIB Swiss Institute of Bioinformatics
Classification: Uncertain significance for Spastic paraplegia 30A, autosomal dominant. Last evaluated: 2020-06-15. Review status: criteria provided, single submitter. Criteria: ACMG Guidelines, 2015. Collection method: curation. Allele origin: unknown.
Comment: This variant is interpreted as a variant of uncertain significance for spastic paraplegia 30, autosomal dominant. The following ACMG Tag(s) were applied: Absent from controls (or at extremely low frequency if recessive) in Exome Sequencing Project, 1000 Genomes Project, or Exome Aggregation Consortium (PM2); Missense variant in a gene that has a low rate of benign missense variation and in which missense variants are a common mechanism of disease (PP2); Multiple lines of computational evidence support a deleterious effect on the gene or gene product (PP3); Cosegregation with disease in multiple affected family members in a gene definitively known to cause the disease (PP1).

Literature cited by the submitters: PubMed 31488895.

NM_001244008.2(KIF1A):c.167A>G (p.Tyr56Cys)

Gene: KIF1A (kinesin family member 1A; minus strand). Cytogenetic location: 2q37.3.
Variant type: single nucleotide variant.
Coding change: c.167A>G on transcript NM_001244008.2 (MANE Select); coding-DNA position 167, A replaced by G.
Protein change: p.Tyr56Cys; replaces tyrosine 56 with cysteine.
Molecular consequence: missense variant.
Genome position (GRCh38, 1-based): chr2:240,789,252, T>C on the plus strand (A>G on the coding strand, the complement: KIF1A is on the minus strand). VCF-style: chr2-240789252-T-C. GRCh37 (hg19) VCF-style: chr2-241728669-T-C.
Other names: c.167A>G, p.Tyr56Cys (NM_001320705.2, NM_001330289.2, NM_001330290.2 and 20 more transcripts); short protein forms Y56C.
Identifiers: ClinVar variation 974925 (VCV000974925.1), dbSNP rs2055347610, ClinGen allele CA351311703.
Genomic context (GRCh38, chr2:240,789,252, plus strand): 5'-TGCACTGCTGCCCCCGCCTCCCCCGACCCGGGGTCCCGGCTTACTGAGGTGTGCGACCAG[T>C]AGGAGTAGTCAAAGCTGAAGCTTTTGGGCGTCTCCTTGGGCTGTTTGGGGTTAACAATGG-3'
Protein context (NP_001230937.1, residues 46-66): TPKSFSFDYS[Tyr56Cys]WSHTSPEDIN